The following is an entry in ClinVar:

ClinVar aggregate classification (germline): Likely benign (1 of 4 stars; one submission).

gnomAD v4.1: 5 of 1,613,200 alleles (0.00031%); highest among the groups gnomAD compares: Middle Eastern, 0.017%; no homozygotes.

Submission:

CeGaT Center for Human Genetics Tuebingen
Classification: Likely benign. Last evaluated: 2024-12-01. Review status: criteria provided, single submitter. Criteria: CeGaT Center For Human Genetics Tuebingen Variant Classification Criteria Version 2. Collection method: clinical testing. Allele origin: germline. Affected: yes. Observed: 1 variant allele.
Comment: RPS24: BP4, BP7

NM_033022.4(RPS24):c.*22G>A

Gene: RPS24 (ribosomal protein S24; plus strand). Cytogenetic location: 10q22.3.
Variant type: single nucleotide variant.
Coding change: c.*22G>A on transcript NM_033022.4 (MANE Select); 22 bases downstream of the stop codon, G replaced by A.
Molecular consequence: 3 prime UTR variant. On other transcripts: synonymous variant (1), intron variant (1).
Genome position (GRCh38, 1-based): chr10:78,040,617, G>A. VCF-style: chr10-78040617-G-A. GRCh37 (hg19) VCF-style: chr10-79800375-G-A.
Other names: c.393G>A, p.Pro131= (NM_001026.5); c.*22G>A (NM_001142282.2); c.*37G>A (NM_001142283.2, NM_001142284.2); c.390+3313G>A (NM_001142285.2).
Identifiers: ClinVar variation 3771404 (VCV003771404.13).